The following is an entry in ClinVar:

NM_004415.4(DSP):c.3158A>G (p.Asn1053Ser)

Gene: DSP (desmoplakin; plus strand). Cytogenetic location: 6p24.3.
Variant type: single nucleotide variant.
Coding change: c.3158A>G on transcript NM_004415.4 (MANE Select); coding-DNA position 3158, A replaced by G.
Protein change: p.Asn1053Ser; replaces asparagine 1053 with serine.
Molecular consequence: missense variant.
Genome position (GRCh38, 1-based): chr6:7,579,348, A>G. VCF-style: chr6-7579348-A-G. GRCh37 (hg19) VCF-style: chr6-7579581-A-G.
Other names: c.3158A>G, p.Asn1053Ser (NM_001008844.3, NM_001319034.2); short protein forms N1053S.
Identifiers: ClinVar variation 5035640 (VCV005035640.1).
Genomic context (GRCh38, chr6:7,579,348, plus strand): 5'-AGATCGAAGTTTTGGAAGAGGAGCTCAGACTGGCCCGAGATGCCAACTCGGAAAACTGTA[A>G]TAAGAACAAATTCCTGGATCAGAACCTGCAGAAATACCAGGCAGAGTGTTCCCAGTTCAA-3'
Protein context (NP_004406.2, residues 1043-1063): LARDANSENC[Asn1053Ser]KNKFLDQNLQ

ClinVar aggregate classification (germline): Uncertain significance (1 of 4 stars; one submission).

Conditions:
Cardiovascular phenotype. Identifiers: MedGen CN230736.

gnomAD v4.1: 2 of 1,614,230 alleles (0.00012%); highest among the groups gnomAD compares: Non-Finnish European, 0.00017%; no homozygotes.

Submission:

Ambry Genetics
Classification: Uncertain significance for Cardiovascular phenotype. Last evaluated: 2026-07-07. Review status: criteria provided, single submitter. Criteria: Ambry Variant Classification Scheme 2023. Collection method: clinical testing. Allele origin: germline.
Comment: The p.N1053S variant (also known as c.3158A>G), located in coding exon 23 of the DSP gene, results from an A to G substitution at nucleotide position 3158. The asparagine at codon 1053 is replaced by serine, an amino acid with highly similar properties. This amino acid position is conserved. In addition, this alteration is predicted to be tolerated by in silico analysis. Based on the available evidence, the clinical significance of this variant remains unclear.